The following is an entry in ClinVar:

NM_024529.5(CDC73):c.211C>G (p.His71Asp)

Gene: CDC73 (cell division cycle 73; plus strand). Cytogenetic location: 1q31.2.
Variant type: single nucleotide variant.
Coding change: c.211C>G on transcript NM_024529.5 (MANE Select); coding-DNA position 211, C replaced by G.
Protein change: p.His71Asp; replaces histidine 71 with aspartic acid.
Molecular consequence: missense variant.
Genome position (GRCh38, 1-based): chr1:193,125,191, C>G. VCF-style: chr1-193125191-C-G. GRCh37 (hg19) VCF-style: chr1-193094321-C-G.
Other names: short protein forms H71D.
Identifiers: ClinVar variation 1382424 (VCV001382424.8), dbSNP rs2103114010, ClinGen allele CA343973204.

ClinVar aggregate classification (germline): Uncertain significance (1 of 4 stars; one submission).

Conditions:
Parathyroid carcinoma (PRTC). Also called: CDC73-Related Parathyroid Carcinoma; Parathyroid gland carcinoma. Identifiers: Orphanet 143, MedGen C0687150, MONDO:0012004, OMIM 608266, HP:0006780.

Submission:

Labcorp Genetics (formerly Invitae), Labcorp
Classification: Uncertain significance for Parathyroid carcinoma. Last evaluated: 2021-03-26. Review status: criteria provided, single submitter. Criteria: Invitae Variant Classification Sherloc (09022015). Collection method: clinical testing. Allele origin: germline.
Comment: In summary, the available evidence is currently insufficient to determine the role of this variant in disease. Therefore, it has been classified as a Variant of Uncertain Significance. This sequence change replaces histidine with aspartic acid at codon 71 of the CDC73 protein (p.His71Asp). The histidine residue is highly conserved and there is a moderate physicochemical difference between histidine and aspartic acid. This variant is not present in population databases (ExAC no frequency). This variant has not been reported in the literature in individuals with CDC73-related conditions. Algorithms developed to predict the effect of missense changes on protein structure and function are either unavailable or do not agree on the potential impact of this missense change (SIFT: "Tolerated"; PolyPhen-2: "Probably Damaging"; Align-GVGD: "Class C0").